The following is an entry in ClinVar:

NM_002016.2(FLG):c.9605C>G (p.Ser3202Ter)

Genes: CCDST (cervical cancer associated DHX9 suppressive transcript; plus strand), FLG (filaggrin; minus strand). Cytogenetic location: 1q21.3.
Variant type: single nucleotide variant.
Coding change: c.9605C>G on transcript NM_002016.2 (MANE Select); coding-DNA position 9605, C replaced by G.
Protein change: p.Ser3202Ter; replaces serine 3202 with a stop codon.
Molecular consequence: nonsense.
Genome position (GRCh38, 1-based): chr1:152,305,281, G>C on the plus strand (C>G on the coding strand, the complement: FLG is on the minus strand). VCF-style: chr1-152305281-G-C. GRCh37 (hg19) VCF-style: chr1-152277757-G-C.
Other names: short protein forms S3202*.
Identifiers: ClinVar variation 4885143 (VCV004885143.2).

ClinVar aggregate classification (germline): Likely pathogenic (1 of 4 stars; one submission).

Submission:

Dasa
Classification: Likely pathogenic. Last evaluated: 2026-03-24. Review status: criteria provided, single submitter. Criteria: DASA Assertion Criteria. Collection method: clinical testing. Allele origin: germline.
Comment: NM_002016.2(FLG):c.9605C>G (p.Ser3202*) is a nonsense variant in FLG predicted to introduce a premature termination codon and is predicted to result in an absent or altered protein product. Loss of function is an established disease mechanism for FLG (PMID: 16444271; PMID: 27793761; PMID: 27667308). Also, this variant is rare in population databases. Based on the currently available evidence, this variant is classified as likely pathogenic.

Literature cited by the submitters: PubMed 16444271; PubMed 27793761; PubMed 27667308.